The following is an entry in ClinVar:

ClinVar aggregate classification (germline): Uncertain significance (1 of 4 stars; one submission).

Conditions:
Legius syndrome. Identifiers: Orphanet 137605, MedGen C1969623, MONDO:0012669, OMIM 611431. Disease mechanism: loss of function.

gnomAD v4.1: 16 of 1,613,634 alleles (0.00099%); highest among the groups gnomAD compares: Non-Finnish European, 0.0014%; no homozygotes.

Submission:

Labcorp Genetics (formerly Invitae), Labcorp
Classification: Uncertain significance for Legius syndrome. Last evaluated: 2023-09-08. Review status: criteria provided, single submitter. Criteria: Invitae Variant Classification Sherloc (09022015). Collection method: clinical testing. Allele origin: germline.
Comment: This variant has not been reported in the literature in individuals affected with SPRED1-related conditions. This variant is present in population databases (no rsID available, gnomAD 0.007%). This sequence change replaces arginine, which is basic and polar, with threonine, which is neutral and polar, at codon 118 of the SPRED1 protein (p.Arg118Thr). ClinVar contains an entry for this variant (Variation ID: 846857). In summary, the available evidence is currently insufficient to determine the role of this variant in disease. Therefore, it has been classified as a Variant of Uncertain Significance. Advanced modeling of protein sequence and biophysical properties (such as structural, functional, and spatial information, amino acid conservation, physicochemical variation, residue mobility, and thermodynamic stability) performed at Invitae indicates that this missense variant is not expected to disrupt SPRED1 protein function.

NM_152594.3(SPRED1):c.353G>C (p.Arg118Thr)

Gene: SPRED1 (sprouty related EVH1 domain containing 1; plus strand). Cytogenetic location: 15q14.
Variant type: single nucleotide variant.
Coding change: c.353G>C on transcript NM_152594.3 (MANE Select); coding-DNA position 353, G replaced by C.
Protein change: p.Arg118Thr; replaces arginine 118 with threonine.
Molecular consequence: missense variant.
Genome position (GRCh38, 1-based): chr15:38,322,386, G>C. VCF-style: chr15-38322386-G-C. GRCh37 (hg19) VCF-style: chr15-38614587-G-C.
Other names: short protein forms R118T.
Identifiers: ClinVar variation 846857 (VCV000846857.10), dbSNP rs373381933, ClinGen allele CA391932213.